The following is an entry in ClinVar:

ClinVar aggregate classification (germline): Conflicting classifications of pathogenicity. Review status: criteria provided, conflicting classifications (1 of 4 stars). 3 submissions from 3 submitters: Uncertain significance (2); Likely benign (1). Last evaluated 2025-05-05.

Conditions:
Hereditary cancer-predisposing syndrome. Also called: Hereditary neoplastic syndrome; Tumor predisposition; Hereditary Cancer Syndrome; Neoplastic Syndromes, Hereditary. Identifiers: Orphanet 140162, MedGen C0027672, MeSH D009386, MONDO:0015356.

Submissions (3):

Ambry Genetics
Classification: Uncertain significance for Hereditary cancer-predisposing syndrome. Last evaluated: 2025-05-05. Review status: criteria provided, single submitter. Criteria: Ambry Variant Classification Scheme 2023. Collection method: clinical testing. Allele origin: germline.
Comment: The p.T1304S variant (also known as c.3911C>G), located in coding exon 10 of the BRCA2 gene, results from a C to G substitution at nucleotide position 3911. The threonine at codon 1304 is replaced by serine, an amino acid with similar properties. This amino acid position is poorly conserved in available vertebrate species. In addition, this alteration is predicted to be tolerated by in silico analysis. Since supporting evidence is limited at this time, the clinical significance of this alteration remains unclear.

University of Washington Department of Laboratory Medicine, University of Washington
Classification: Likely benign for Hereditary cancer-predisposing syndrome. Last evaluated: 2023-03-23. Review status: criteria provided, single submitter. Criteria: Dines et al. (Genet Med. 2020). Collection method: curation. Allele origin: germline.
Comment: Missense variant in a coldspot region where missense variants are very unlikely to be pathogenic (PMID:31911673).

BRCA2 exon 11 coldspot. Reclassification based on statistical prior probability.

Women's Health and Genetics/Laboratory Corporation of America, LabCorp
Classification: Uncertain significance. Last evaluated: 2016-05-16. Review status: criteria provided, single submitter. Criteria: LabCorp Variant Classification Summary - May 2015. Collection method: clinical testing. Allele origin: germline.
Comment: Variant summary: The BRCA2 c.3911C>G (p.Thr1304Ser) variant causes a missense change involving a non-conserved nucleotide with 3/4 in silico tools (SNPs&GO not captured due to low reliability index) predicting a "benign" outcome, although these predictions have yet to be functionally assessed. The variant of interest was not observed in controls (ExAC, 1000 Gs or ESP), nor has it been, to our knowledge, reported in affected individuals via publications and/or reputable databases/clinical laboratories. Therefore, taking all available lines of evidence into consideration, the variant of interest is classified as a "Variant of Uncertain Significance (VUS)," until additional information becomes available.

NM_000059.4(BRCA2):c.3911C>G (p.Thr1304Ser)

Gene: BRCA2 (BRCA2 DNA repair associated; plus strand). Cytogenetic location: 13q13.1.
Variant type: single nucleotide variant.
Coding change: c.3911C>G on transcript NM_000059.4 (MANE Select); coding-DNA position 3911, C replaced by G.
Protein change: p.Thr1304Ser; replaces threonine 1304 with serine.
Molecular consequence: missense variant.
Genome position (GRCh38, 1-based): chr13:32,338,266, C>G. VCF-style: chr13-32338266-C-G. GRCh37 (hg19) VCF-style: chr13-32912403-C-G.
Other names: short protein forms T1304S.
Identifiers: ClinVar variation 495456 (VCV000495456.6), dbSNP rs1555283472, ClinGen allele CA387778806.
Genomic context (GRCh38, chr13:32,338,266, plus strand): 5'-GTGAAAAAAATAATAAATGCCAACTGATATTACAAAATAATATTGAAATGACTACTGGCA[C>G]TTTTGTTGAAGAAATTACTGAAAATTACAAGAGAAATACTGAAAATGAAGATAACAAATA-3'
Protein context (NP_000050.3, residues 1294-1314): LQNNIEMTTG[Thr1304Ser]FVEEITENYK